The following is an entry in ClinVar:

NM_000492.4(CFTR):c.3076T>G (p.Phe1026Val)

Genes: CFTR (CF transmembrane conductance regulator; plus strand), CFTR-AS2 (CFTR antisense RNA 2; minus strand), LOC111674472 (DNase I hypersensitive sites in introns 16 and 17a of CFTR; plus strand). Cytogenetic location: 7q31.2.
Variant type: single nucleotide variant.
Coding change: c.3076T>G on transcript NM_000492.4 (MANE Select); coding-DNA position 3076, T replaced by G.
Protein change: p.Phe1026Val; replaces phenylalanine 1026 with valine.
Molecular consequence: missense variant.
Genome position (GRCh38, 1-based): chr7:117,610,606, T>G. VCF-style: chr7-117610606-T-G. GRCh37 (hg19) VCF-style: chr7-117250660-T-G.
Other names: short protein forms F1026V.
Identifiers: ClinVar variation 2567890 (VCV002567890.2), dbSNP rs2485129065, ClinGen allele CA368990729.
Genomic context (GRCh38, chr7:117,610,606, plus strand): 5'-GCAGTTGTCGCAGTTTTACAACCCTACATCTTTGTTGCAACAGTGCCAGTGATAGTGGCT[T>G]TTATTATGTTGAGAGCATATTTCCTCCAAACCTCACAGCAACTCAAACAACTGGAATCTG-3'
Protein context (NP_000483.3, residues 1016-1036): FVATVPVIVA[Phe1026Val]IMLRAYFLQT

ClinVar aggregate classification (germline): Uncertain significance (1 of 4 stars; one submission).

Conditions:
Cystic fibrosis (CF). Also called: MUCOVISCIDOSIS. Identifiers: Orphanet 586, MedGen C0010674, MONDO:0009061, OMIM 219700. Disease mechanism: loss of function.

Submission:

Ambry Genetics
Classification: Uncertain significance for Cystic fibrosis. Last evaluated: 2023-05-21. Review status: criteria provided, single submitter. Criteria: Ambry Variant Classification Scheme 2023. Collection method: clinical testing. Allele origin: germline.
Comment: The p.F1026V variant (also known as c.3076T>G), located in coding exon 19 of the CFTR gene, results from a T to G substitution at nucleotide position 3076. The phenylalanine at codon 1026 is replaced by valine, an amino acid with highly similar properties. This amino acid position is conserved. In addition, this alteration is predicted to be deleterious by in silico analysis. Since supporting evidence is limited at this time, the clinical significance of this alteration remains unclear.